The following is an entry in ClinVar:

ClinVar aggregate classification (germline): Uncertain significance (1 of 4 stars; one submission).

Allele frequency attached by ClinVar (database versions not stated): gnomAD 0.00004; ExAC 0.00009; TOPMed 0.00009.
gnomAD v4.1: 31 of 1,611,012 alleles (0.0019%); highest among the groups gnomAD compares: Admixed American, 0.03%; no homozygotes.

Submission:

Labcorp Genetics (formerly Invitae), Labcorp
Classification: Uncertain significance. Last evaluated: 2022-06-26. Review status: criteria provided, single submitter. Criteria: Invitae Variant Classification Sherloc (09022015). Collection method: clinical testing. Allele origin: germline.
Comment: This sequence change replaces arginine, which is basic and polar, with tryptophan, which is neutral and slightly polar, at codon 288 of the LRRC56 protein (p.Arg288Trp). This variant is present in population databases (rs776047856, gnomAD 0.04%). This variant has not been reported in the literature in individuals affected with LRRC56-related conditions. Algorithms developed to predict the effect of missense changes on protein structure and function output the following: SIFT: "Tolerated"; PolyPhen-2: "Benign"; Align-GVGD: "Class C0". The tryptophan amino acid residue is found in multiple mammalian species, which suggests that this missense change does not adversely affect protein function. In summary, the available evidence is currently insufficient to determine the role of this variant in disease. Therefore, it has been classified as a Variant of Uncertain Significance.

NM_198075.4(LRRC56):c.862C>T (p.Arg288Trp)

Gene: LRRC56 (leucine rich repeat containing 56; plus strand). Cytogenetic location: 11p15.5.
Variant type: single nucleotide variant.
Coding change: c.862C>T on transcript NM_198075.4 (MANE Select); coding-DNA position 862, C replaced by T.
Protein change: p.Arg288Trp; replaces arginine 288 with tryptophan.
Molecular consequence: missense variant.
Genome position (GRCh38, 1-based): chr11:551,716, C>T. VCF-style: chr11-551716-C-T. GRCh37 (hg19) VCF-style: chr11-551716-C-T.
Other names: short protein forms R288W.
Identifiers: ClinVar variation 2176784 (VCV002176784.1), dbSNP rs776047856, ClinGen allele CA5779855.